The following is an entry in ClinVar:

ClinVar aggregate classification (germline): Benign/Likely benign. Review status: criteria provided, multiple submitters, no conflicts (2 of 4 stars). 2 submissions from 2 submitters: Benign (1); Likely benign (1). Last evaluated 2026-04-27.

Conditions:
Colorectal cancer, susceptibility to, 1. Also called: COLORECTAL ADENOMA AND CANCER, SUSCEPTIBILITY TO; COLORECTAL CANCER, SUSCEPTIBILITY TO, ON CHROMOSOME 9. Identifiers: MedGen C1837315, MONDO:0012132, OMIM 608812.

Allele frequency attached by ClinVar (database versions not stated): gnomAD 0.00001.

Submissions (2):

Myriad Genetics, Inc.
Classification: Benign for Colorectal cancer, susceptibility to, 1. Last evaluated: 2026-04-27. Review status: criteria provided, single submitter. Criteria: Myriad Autosomal Dominant, Autosomal Recessive and X-Linked Classification Criteria (2023). Collection method: clinical testing. Allele origin: unknown.
Comment: This variant is considered benign. This variant is a silent/synonymous amino acid change and it is not expected to impact splicing.

Ambry Genetics
Classification: Likely benign. Last evaluated: 2019-10-17. Review status: criteria provided, single submitter. Criteria: Ambry Variant Classification Scheme 2023. Collection method: clinical testing. Allele origin: germline.

NM_024642.5(GALNT12):c.1306C>T (p.Leu436=)

Gene: GALNT12 (polypeptide N-acetylgalactosaminyltransferase 12; plus strand). Cytogenetic location: 9q22.33.
Variant type: single nucleotide variant.
Coding change: c.1306C>T on transcript NM_024642.5 (MANE Select); coding-DNA position 1306, C replaced by T.
Protein change: p.Leu436=; no amino-acid change (leucine 436 retained).
Molecular consequence: synonymous variant.
Genome position (GRCh38, 1-based): chr9:98,840,095, C>T. VCF-style: chr9-98840095-C-T. GRCh37 (hg19) VCF-style: chr9-101602377-C-T.
Identifiers: ClinVar variation 818863 (VCV000818863.5), dbSNP rs1297882734, ClinGen allele CA466425144.